The following is an entry in ClinVar:

ClinVar aggregate classification (germline): Uncertain significance (1 of 4 stars; one submission).

Conditions:
Ichthyosis and erythrokeratoderma.

Submission:

Genetics Laboratory, Great Ormond Street Hospital NHS Foundation Trust, North Thames Genomic Laboratory Hub
Classification: Uncertain significance for Ichthyosis and erythrokeratoderma. Last evaluated: 2025-09-30. Review status: criteria provided, single submitter. Criteria: ACGS Best Practice Guidelines for Variant Classification in Rare Disease 2024 v1.2. Collection method: clinical testing. Allele origin: germline. Affected: yes.
Comment: PM2_moderate, PP3_supporting, PS2_supporting

NM_004004.6(GJB2):c.274G>C (p.Ala92Pro)

Gene: GJB2 (gap junction protein beta 2; minus strand). Cytogenetic location: 13q12.11.
Variant type: single nucleotide variant.
Coding change: c.274G>C on transcript NM_004004.6 (MANE Select); coding-DNA position 274, G replaced by C.
Protein change: p.Ala92Pro; replaces alanine 92 with proline.
Molecular consequence: missense variant.
Genome position (GRCh38, 1-based): chr13:20,189,308, C>G on the plus strand (G>C on the coding strand, the complement: GJB2 is on the minus strand). VCF-style: chr13-20189308-C-G. GRCh37 (hg19) VCF-style: chr13-20763447-C-G.
Other names: short protein forms A92P.
Identifiers: ClinVar variation 4532196 (VCV004532196.1).